The following is an entry in ClinVar:

ClinVar aggregate classification (germline): Uncertain significance (1 of 4 stars; one submission).

Conditions:
Hereditary cancer-predisposing syndrome. Also called: Neoplastic Syndromes, Hereditary; Tumor predisposition; Hereditary neoplastic syndrome; Hereditary Cancer Syndrome. Identifiers: Orphanet 140162, MedGen C0027672, MeSH D009386, MONDO:0015356.

Submission:

Ambry Genetics
Classification: Uncertain significance for Hereditary cancer-predisposing syndrome. Last evaluated: 2026-07-01. Review status: criteria provided, single submitter. Criteria: Ambry Variant Classification Scheme 2023. Collection method: clinical testing. Allele origin: germline.
Comment: The p.S1163C variant (also known as c.3487A>T), located in coding exon 15 of the APC gene, results from an A to T substitution at nucleotide position 3487. The serine at codon 1163 is replaced by cysteine, an amino acid with dissimilar properties. This amino acid position is conserved. In addition, in silico predictors for this gene do not accurately predict pathogenicity. Based on the available evidence, the clinical significance of this variant remains unclear.

NM_000038.6(APC):c.3487A>T (p.Ser1163Cys)

Gene: APC (APC regulator of Wnt signaling pathway; plus strand). Cytogenetic location: 5q22.2.
Variant type: single nucleotide variant.
Coding change: c.3487A>T on transcript NM_000038.6 (MANE Select); coding-DNA position 3487, A replaced by T.
Protein change: p.Ser1163Cys; replaces serine 1163 with cysteine.
Molecular consequence: missense variant. On other transcripts: non-coding transcript variant (2).
Genome position (GRCh38, 1-based): chr5:112,839,081, A>T. VCF-style: chr5-112839081-A-T. GRCh37 (hg19) VCF-style: chr5-112174778-A-T.
Other names: c.3487A>T, p.Ser1163Cys (NM_001127510.3, NM_001354895.2, NM_001407450.1); c.3433A>T, p.Ser1145Cys (NM_001127511.3); c.3541A>T, p.Ser1181Cys (NM_001354896.2, NM_001407447.1, NM_001407448.1 and 1 more transcripts); c.3517A>T, p.Ser1173Cys (NM_001354897.2); c.3412A>T, p.Ser1138Cys (NM_001354898.2); c.3403A>T, p.Ser1135Cys (NM_001354899.2); c.3364A>T, p.Ser1122Cys (NM_001354900.2); c.3310A>T, p.Ser1104Cys (NM_001354901.2, NM_001407453.1); and 11 more; short protein forms S1072C, S1080C, S1122C, S1153C, S1163C, S1181C, S880C, S1037C.
Identifiers: ClinVar variation 5024780 (VCV005024780.1).